The following is an entry in ClinVar:

ClinVar aggregate classification (germline): Uncertain significance (1 of 4 stars; one submission).

Conditions:
Muscular dystrophy-dystroglycanopathy (congenital with brain and eye anomalies), type A9. Also called: WALKER-WARBURG SYNDROME OR MUSCLE-EYE BRAIN DISEASE, DAG1-RELATED; Muscular dystrophy-dystroglycanopathy (congenital with brain and eye anomalies), type a, 9. Identifiers: Orphanet 370997, Orphanet 899, MedGen C4225291, MONDO:0014683, OMIM 616538.
Autosomal recessive limb-girdle muscular dystrophy type 2P. Also called: MUSCULAR DYSTROPHY-DYSTROGLYCANOPATHY, LIMB-GIRDLE, DAG1-RELATED; Limb-Girdle Muscular Dystrophy Type 9C; MUSCULAR DYSTROPHY, LIMB-GIRDLE, TYPE 2P. Identifiers: Orphanet 280333, MedGen C4511963, MONDO:0013440, OMIM 613818.

Submission:

Labcorp Genetics (formerly Invitae), Labcorp
Classification: Uncertain significance for Autosomal recessive limb-girdle muscular dystrophy type 2P; Muscular dystrophy-dystroglycanopathy (congenital with brain and eye anomalies), type A9. Last evaluated: 2021-06-30. Review status: criteria provided, single submitter. Criteria: Invitae Variant Classification Sherloc (09022015). Collection method: clinical testing. Allele origin: germline.
Comment: In summary, the available evidence is currently insufficient to determine the role of this variant in disease. Therefore, it has been classified as a Variant of Uncertain Significance. This sequence change creates a premature translational stop signal (p.Lys671*) in the DAG1 gene. While this is not anticipated to result in nonsense mediated decay, it is expected to disrupt the last 225 amino acid(s) of the DAG1 protein. This variant is not present in population databases (ExAC no frequency). This variant has not been reported in the literature in individuals affected with DAG1-related conditions. Experimental studies and prediction algorithms are not available or were not evaluated, and the functional significance of this variant is currently unknown.

NM_004393.6(DAG1):c.2011A>T (p.Lys671Ter)

Gene: DAG1 (dystroglycan 1; plus strand). Cytogenetic location: 3p21.31.
Variant type: single nucleotide variant.
Coding change: c.2011A>T on transcript NM_004393.6 (MANE Select); coding-DNA position 2011, A replaced by T.
Protein change: p.Lys671Ter; replaces lysine 671 with a stop codon.
Molecular consequence: nonsense.
Genome position (GRCh38, 1-based): chr3:49,532,522, A>T. VCF-style: chr3-49532522-A-T. GRCh37 (hg19) VCF-style: chr3-49569955-A-T.
Other names: c.2011A>T, p.Lys671Ter (NM_001165928.4, NM_001177634.3, NM_001177635.3 and 9 more transcripts); short protein forms K671*.
Identifiers: ClinVar variation 1364795 (VCV001364795.6), dbSNP rs2107948146, ClinGen allele CA352796625.